The following is an entry in ClinVar:

ClinVar aggregate classification (germline): Uncertain significance (1 of 4 stars; one submission).

Allele frequency attached by ClinVar (database versions not stated): gnomAD exomes below 0.00001.
gnomAD v4.1: 3 of 1,526,388 alleles (0.0002%); highest among the groups gnomAD compares: Non-Finnish European, 0.000091%; no homozygotes.

Submission:

Labcorp Genetics (formerly Invitae), Labcorp
Classification: Uncertain significance. Last evaluated: 2021-11-13. Review status: criteria provided, single submitter. Criteria: Invitae Variant Classification Sherloc (09022015). Collection method: clinical testing. Allele origin: germline.
Comment: This sequence change replaces glutamic acid, which is acidic and polar, with lysine, which is basic and polar, at codon 497 of the LRPPRC protein (p.Glu497Lys). This variant is present in population databases (no rsID available, gnomAD 0.003%). This variant has not been reported in the literature in individuals affected with LRPPRC-related conditions. Algorithms developed to predict the effect of missense changes on protein structure and function output the following: SIFT: "Tolerated"; PolyPhen-2: "Benign"; Align-GVGD: "Class C0". The lysine amino acid residue is found in multiple mammalian species, which suggests that this missense change does not adversely affect protein function. Algorithms developed to predict the effect of sequence changes on RNA splicing suggest that this variant may disrupt the consensus splice site. In summary, the available evidence is currently insufficient to determine the role of this variant in disease. Therefore, it has been classified as a Variant of Uncertain Significance.

NM_133259.4(LRPPRC):c.1489G>A (p.Glu497Lys)

Gene: LRPPRC (leucine rich pentatricopeptide repeat containing; minus strand). Cytogenetic location: 2p21.
Variant type: single nucleotide variant.
Coding change: c.1489G>A on transcript NM_133259.4 (MANE Select); coding-DNA position 1489, G replaced by A.
Protein change: p.Glu497Lys; replaces glutamic acid 497 with lysine.
Molecular consequence: missense variant.
Genome position (GRCh38, 1-based): chr2:43,960,634, C>T on the plus strand (G>A on the coding strand, the complement: LRPPRC is on the minus strand). VCF-style: chr2-43960634-C-T. GRCh37 (hg19) VCF-style: chr2-44187773-C-T.
Other names: short protein forms E497K.
Identifiers: ClinVar variation 1382719 (VCV001382719.3), dbSNP rs1428005995, ClinGen allele CA346678865.